The following is an entry in ClinVar:

NM_000158.4(GBE1):c.159C>A (p.Ser53Arg)

Gene: GBE1 (1,4-alpha-glucan branching enzyme 1; minus strand). Cytogenetic location: 3p12.2.
Variant type: single nucleotide variant.
Coding change: c.159C>A on transcript NM_000158.4 (MANE Select); coding-DNA position 159, C replaced by A.
Protein change: p.Ser53Arg; replaces serine 53 with arginine.
Molecular consequence: missense variant.
Genome position (GRCh38, 1-based): chr3:81,705,598, G>T on the plus strand (C>A on the coding strand, the complement: GBE1 is on the minus strand). VCF-style: chr3-81705598-G-T. GRCh37 (hg19) VCF-style: chr3-81754749-G-T.
Other names: short protein forms S53R.
Identifiers: ClinVar variation 2946318 (VCV002946318.3), dbSNP rs1245333229, ClinGen allele CA353687939.

ClinVar aggregate classification (germline): Uncertain significance (1 of 4 stars; one submission).

Conditions:
Glycogen storage disease, type IV (GSD4). Also called: AMYLOPECTINOSIS; ANDERSEN DISEASE; BRANCHER DEFICIENCY; CIRRHOSIS, FAMILIAL, WITH DEPOSITION OF ABNORMAL GLYCOGEN; GBE1 DEFICIENCY; GLYCOGEN BRANCHING ENZYME DEFICIENCY. Identifiers: Orphanet 367, MedGen C0017923, MONDO:0009292, OMIM 232500.
Glycogen storage disease IV, classic hepatic. Also called: GSD IV, CLASSIC HEPATIC. Identifiers: MedGen C1856301.

gnomAD v4.1: 6 of 1,559,262 alleles (0.00038%); highest among the groups gnomAD compares: African/African-American, 0.0082%; no homozygotes.

Submission:

Labcorp Genetics (formerly Invitae), Labcorp
Classification: Uncertain significance for Glycogen storage disease, type IV; Glycogen storage disease IV, classic hepatic. Last evaluated: 2023-11-13. Review status: criteria provided, single submitter. Criteria: Invitae Variant Classification Sherloc (09022015). Collection method: clinical testing. Allele origin: germline.
Comment: This sequence change replaces serine, which is neutral and polar, with arginine, which is basic and polar, at codon 53 of the GBE1 protein (p.Ser53Arg). The frequency data for this variant in the population databases is considered unreliable, as metrics indicate poor data quality at this position in the gnomAD database. This variant has not been reported in the literature in individuals affected with GBE1-related conditions. Advanced modeling of protein sequence and biophysical properties (such as structural, functional, and spatial information, amino acid conservation, physicochemical variation, residue mobility, and thermodynamic stability) performed at Invitae indicates that this missense variant is not expected to disrupt GBE1 protein function with a negative predictive value of 95%. In summary, the available evidence is currently insufficient to determine the role of this variant in disease. Therefore, it has been classified as a Variant of Uncertain Significance.